The following is an entry in ClinVar:

ClinVar aggregate classification (germline): Likely benign. Review status: reviewed by expert panel (3 of 4 stars). 11 submissions from 11 submitters: Likely benign (1). 10 of the submissions do not count toward it. Last evaluated 2017-06-29.

Conditions:
Hereditary breast ovarian cancer syndrome. Also called: Hereditary breast and ovarian cancer syndrome; Hereditary breast and ovarian cancer syndrome (HBOC); BRCA1- and BRCA2-Associated Hereditary Breast and Ovarian Cancer; Breast and ovarian cancer; Hereditary breast and ovarian cancer; Hereditary breast and/or ovarian cancer syndrome. Identifiers: Orphanet 145, MedGen C0677776, MeSH D061325, MONDO:0003582. Disease mechanism: loss of function.
Hereditary cancer-predisposing syndrome. Also called: Hereditary Cancer Syndrome; Hereditary neoplastic syndrome; Tumor predisposition; Neoplastic Syndromes, Hereditary. Identifiers: Orphanet 140162, MedGen C0027672, MeSH D009386, MONDO:0015356.
Breast-ovarian cancer, familial, susceptibility to, 1 (BROVCA1). Also called: OVARIAN CANCER, SUSCEPTIBILITY TO; BRCA1 Hereditary Breast and Ovarian Cancer. Identifiers: Orphanet 145, MedGen C2676676, MONDO:0011450, OMIM 604370. Disease mechanism: loss of function.
BRCA1-related cancer predisposition. Identifiers: MedGen CN377757, MONDO:0700268.

Allele frequency attached by ClinVar (database versions not stated): gnomAD 0.00001; gnomAD exomes 0.00001 and 0.00002; TOPMed 0.00001; ExAC 0.00002.
gnomAD v4.1: 20 of 1,613,932 alleles (0.0012%); highest among the groups gnomAD compares: East Asian, 0.0045%; no homozygotes.

Submissions (11):

Evidence-based Network for the Interpretation of Germline Mutant Alleles (ENIGMA)
Classification: Likely benign for Breast-ovarian cancer, familial, susceptibility to, 1. Last evaluated: 2017-06-29. Review status: reviewed by expert panel. Criteria: ENIGMA BRCA1/2 Classification Criteria (2017-06-29). Collection method: curation. Allele origin: germline.
Comment: Synonymous substitution variant, with low bioinformatic likelihood to result in a splicing aberration (Splicing prior probability 0.02).

Labcorp Genetics (formerly Invitae), Labcorp
Classification: Likely benign for Hereditary breast ovarian cancer syndrome. Last evaluated: 2025-10-07. Review status: criteria provided, single submitter. Criteria: Invitae Variant Classification Sherloc (09022015). Collection method: clinical testing. Allele origin: germline. Not counted in ClinVar's aggregate classification.

All of Us Research Program, National Institutes of Health
Classification: Likely benign for BRCA1-related cancer predisposition. Last evaluated: 2024-07-10. Review status: criteria provided, single submitter. Criteria: ACMG Guidelines, 2015. Collection method: clinical testing. Allele origin: germline. Inheritance: Autosomal dominant inheritance. Observed: 6 variant alleles, 6 heterozygotes. Not counted in ClinVar's aggregate classification.
Comment: This study involves interpretation of variants in research participants for the purpose of population health screening. Participant phenotype was not available at the time of variant classification. Additional details can be found in publication PMID: 35346344, PMCID: PMC8962531

KCCC/NGS Laboratory, Kuwait Cancer Control Center
Classification: Likely benign for Breast-ovarian cancer, familial, susceptibility to, 1. Last evaluated: 2023-07-07. Review status: criteria provided, single submitter. Criteria: ACMG Guidelines, 2015. Collection method: clinical testing. Allele origin: germline. Affected: yes. Not counted in ClinVar's aggregate classification.

Quest Diagnostics Nichols Institute San Juan Capistrano
Classification: Likely benign. Last evaluated: 2022-07-01. Review status: criteria provided, single submitter. Criteria: Quest Diagnostics criteria. Collection method: clinical testing. Allele origin: unknown. Not counted in ClinVar's aggregate classification.

Sema4
Classification: Likely benign for Hereditary cancer-predisposing syndrome. Last evaluated: 2021-11-22. Review status: criteria provided, single submitter. Criteria: Sema4 Curation Guidelines. Collection method: curation. Allele origin: germline. Not counted in ClinVar's aggregate classification.

Women's Health and Genetics/Laboratory Corporation of America, LabCorp
Classification: Likely benign. Last evaluated: 2020-12-17. Review status: criteria provided, single submitter. Criteria: LabCorp Variant Classification Summary - May 2015. Collection method: clinical testing. Allele origin: germline. Not counted in ClinVar's aggregate classification.

Color Diagnostics, LLC DBA Color Health
Classification: Likely benign for Hereditary cancer-predisposing syndrome. Last evaluated: 2016-08-13. Review status: criteria provided, single submitter. Criteria: ACMG Guidelines, 2015. Collection method: clinical testing. Allele origin: germline. Not counted in ClinVar's aggregate classification.

Ambry Genetics
Classification: Likely benign for Hereditary cancer-predisposing syndrome. Last evaluated: 2014-12-17. Review status: criteria provided, single submitter. Criteria: Ambry Variant Classification Scheme 2023. Collection method: clinical testing. Allele origin: germline. Not counted in ClinVar's aggregate classification.

GeneDx
Classification: Benign. Last evaluated: 2014-09-15. Review status: criteria provided, single submitter. Criteria: GeneDx Variant Classification (06012015). Collection method: clinical testing. Allele origin: germline. Affected: yes. Not counted in ClinVar's aggregate classification.
Comment: This variant is considered likely benign or benign based on one or more of the following criteria: it is a conservative change, it occurs at a poorly conserved position in the protein, it is predicted to be benign by multiple in silico algorithms, and/or has population frequency not consistent with disease.

Eurofins Ntd Llc (ga)
Classification: Uncertain significance. Last evaluated: 2014-09-09. Review status: criteria provided, single submitter. Criteria: EGL Classification Definitions 2015. Collection method: clinical testing. Allele origin: germline. Observed: 1 variant allele, 1 heterozygote. Not counted in ClinVar's aggregate classification.

Literature cited by the submitters: PubMed 26913838 (cited by Quest Diagnostics Nichols Institute San Juan Capistrano and Sema4); PubMed 9333265 (cited by Quest Diagnostics Nichols Institute San Juan Capistrano and Women's Health and Genetics/Laboratory Corporation of America, LabCorp); PubMed 21918853 (cited by 3 submitters); PubMed 18273839 (cited by Quest Diagnostics Nichols Institute San Juan Capistrano and Women's Health and Genetics/Laboratory Corporation of America, LabCorp); PubMed 16267036 (cited by 3 submitters); PubMed 21120943 (cited by Quest Diagnostics Nichols Institute San Juan Capistrano and Women's Health and Genetics/Laboratory Corporation of America, LabCorp); PubMed 23893897 (cited by Quest Diagnostics Nichols Institute San Juan Capistrano).

NM_007294.4(BRCA1):c.1866G>A (p.Ala622=)

Gene: BRCA1 (BRCA1 DNA repair associated; minus strand). Cytogenetic location: 17q21.31.
Variant type: single nucleotide variant.
Coding change: c.1866G>A on transcript NM_007294.4 (MANE Select); coding-DNA position 1866, G replaced by A.
Protein change: p.Ala622=; no amino-acid change (alanine 622 retained).
Molecular consequence: synonymous variant. On other transcripts: intron variant (137).
Genome position (GRCh38, 1-based): chr17:43,093,665, C>T on the plus strand (G>A on the coding strand, the complement: BRCA1 is on the minus strand). VCF-style: chr17-43093665-C-T. GRCh37 (hg19) VCF-style: chr17-41245682-C-T.
Other names: p.A622A:GCG>GCA; c.1866G>A (NM_007300.3); c.1740G>A, p.Ala580= (NM_001407690.1, NM_001407691.1, NM_001407940.1 and 11 more transcripts); c.1725G>A, p.Ala575= (NM_001407692.1, NM_001407694.1, NM_001407695.1 and 29 more transcripts); c.1722G>A, p.Ala574= (NM_001407740.1, NM_001407741.1, NM_001407742.1 and 20 more transcripts); c.1653G>A, p.Ala551= (NM_001407853.1, NM_001407894.1, NM_001407895.1 and 9 more transcripts); c.1866G>A, p.Ala622= (NM_001407854.1, NM_001407858.1, NM_001407859.1 and 30 more transcripts); c.1863G>A, p.Ala621= (NM_001407860.1, NM_001407861.1, NM_001407587.1 and 22 more transcripts); and 42 more.
Identifiers: ClinVar variation 182091 (VCV000182091.42), dbSNP rs1800064, ClinGen allele CA001211.
Genomic context (GRCh38, chr17:43,093,665, plus strand): 5'-ATCAATTTGCAATTCAGTACAATTAGGTGGGCTTAGATTTCTACTGACTACTAGTTCAAG[C>T]GCATGAATATGCCTGGTAGAAGACTTCCTCCTCAGCCTATTCTTTTTAGGTGCTTTTGAA-3'
Protein context (NP_009225.1, residues 612-632): RRKSSTRHIH[Ala622=]LELVVSRNLS